The following is an entry in ClinVar:

ClinVar aggregate classification (germline): Uncertain significance (1 of 4 stars; one submission).

Submission:

GeneDx
Classification: Uncertain significance. Last evaluated: 2024-05-29. Review status: criteria provided, single submitter. Criteria: GeneDx Variant Classification Process June 2021. Collection method: clinical testing. Allele origin: germline. Affected: yes.
Comment: Not observed at significant frequency in large population cohorts (gnomAD); In silico analysis supports that this missense variant has a deleterious effect on protein structure/function; Has not been previously published as pathogenic or benign to our knowledge

NM_005445.4(SMC3):c.2941C>T (p.His981Tyr)

Gene: SMC3 (structural maintenance of chromosomes 3; plus strand). Cytogenetic location: 10q25.2.
Variant type: single nucleotide variant.
Coding change: c.2941C>T on transcript NM_005445.4 (MANE Select); coding-DNA position 2941, C replaced by T.
Protein change: p.His981Tyr; replaces histidine 981 with tyrosine.
Molecular consequence: missense variant.
Genome position (GRCh38, 1-based): chr10:110,602,014, C>T. VCF-style: chr10-110602014-C-T. GRCh37 (hg19) VCF-style: chr10-112361772-C-T.
Other names: short protein forms H981Y.
Identifiers: ClinVar variation 3383557 (VCV003383557.1).